The following is an entry in ClinVar:

ClinVar aggregate classification (germline): Likely benign. Review status: criteria provided, multiple submitters, no conflicts (2 of 4 stars). 5 submissions from 4 submitters: Likely benign (5). Last evaluated 2026-01-21.

Conditions:
Autosomal dominant nocturnal frontal lobe epilepsy 5. Also called: KCNT1-Related Epilepsy; CILIARY DYSKINESIA, PRIMARY, 28, WITHOUT SITUS INVERSUS; CILIARY DYSKINESIA, PRIMARY, 28, WITH SITUS INVERSUS; Epilepsy, nocturnal frontal lobe, 5. Identifiers: Orphanet 98784, MedGen C3554306, MONDO:0014002, OMIM 615005.
Developmental and epileptic encephalopathy, 14 (DEE14). Also called: Early infantile epileptic encephalopathy 14. Identifiers: Orphanet 293181, MedGen C3554195, MONDO:0013989, OMIM 614959.

Allele frequency attached by ClinVar (database versions not stated): ExAC 0.00006; gnomAD exomes 0.00008 and 0.00027; ESP Exome Variant Server 0.00015; TOPMed 0.00015; gnomAD 0.00016.
gnomAD v4.1: 409 of 1,596,332 alleles (0.026%); highest among the groups gnomAD compares: Non-Finnish European, 0.033%; no homozygotes.

Submissions (5):

Labcorp Genetics (formerly Invitae), Labcorp
Classification: Likely benign for Autosomal dominant nocturnal frontal lobe epilepsy 5; Developmental and epileptic encephalopathy, 14. Last evaluated: 2026-01-21. Review status: criteria provided, single submitter. Criteria: Invitae Variant Classification Sherloc (09022015). Collection method: clinical testing. Allele origin: germline.

Blueprint Genetics
Classification: Likely benign. Last evaluated: 2023-12-05. Review status: criteria provided, single submitter. Criteria: ACMG Guidelines, 2015. Collection method: clinical testing. Allele origin: germline.

Genome-Nilou Lab
Classification: Likely benign for Developmental and epileptic encephalopathy, 14. Last evaluated: 2022-03-15. Review status: criteria provided, single submitter. Criteria: ACMG Guidelines, 2015. Collection method: clinical testing. Allele origin: germline. Affected: no.

Genome-Nilou Lab
Classification: Likely benign for Autosomal dominant nocturnal frontal lobe epilepsy 5. Last evaluated: 2022-03-15. Review status: criteria provided, single submitter. Criteria: ACMG Guidelines, 2015. Collection method: clinical testing. Allele origin: germline. Affected: no.

GeneDx
Classification: Likely benign. Last evaluated: 2016-06-28. Review status: criteria provided, single submitter. Criteria: GeneDx Variant Classification (06012015). Collection method: clinical testing. Allele origin: germline. Affected: yes.
Comment: This variant is considered likely benign or benign based on one or more of the following criteria: it is a conservative change, it occurs at a poorly conserved position in the protein, it is predicted to be benign by multiple in silico algorithms, and/or has population frequency not consistent with disease.

NM_020822.3(KCNT1):c.2008+19G>A

Gene: KCNT1 (potassium sodium-activated channel subfamily T member 1; plus strand). Cytogenetic location: 9q34.3.
Variant type: single nucleotide variant.
Coding change: c.2008+19G>A on transcript NM_020822.3 (MANE Select); 19 bases into the intron after coding-DNA position 2008, G replaced by A.
Molecular consequence: intron variant.
Genome position (GRCh38, 1-based): chr9:135,771,114, G>A. VCF-style: chr9-135771114-G-A. GRCh37 (hg19) VCF-style: chr9-138662960-G-A.
Other names: c.1873+19G>A (NM_001272003.2).
Identifiers: ClinVar variation 387097 (VCV000387097.11), dbSNP rs369119562, ClinGen allele CA5327152.
Genomic context (GRCh38, chr9:135,771,114, plus strand): 5'-GTCCGGCCCGCCTGCCCGTGCACAGCATCATCGCCTCCATGGGTGAGCCGGGACAGGCGC[G>A]CGGGACTCCCTGGGCCTGCTCCTTTGGCGGGAGACCAGGCGGGACACCGGCAGGTGACCA-3'